The following is an entry in ClinVar:

ClinVar aggregate classification (germline): Likely pathogenic (0 of 4 stars; one submission).

Conditions:
Mulibrey nanism syndrome. Also called: MUSCLE-LIVER-BRAIN-EYE NANISM; PERHEENTUPA SYNDROME; PERICARDIAL CONSTRICTION AND GROWTH FAILURE. Identifiers: Orphanet 2576, MedGen C0524582, MONDO:0009664, OMIM 253250.

Submission:

Juha Muilu Group; Institute for Molecular Medicine Finland (FIMM)
Classification: Likely pathogenic for Mulibrey nanism syndrome. Review status: no assertion criteria provided. Collection method: not provided. Allele origin: unknown.
Comment: FinDis database variant: This variant was not found or characterized by our laboratory, data were collected from public sources: see reference
ClinVar note: Converted during submission from probable-pathogenic to Likely pathogenic.

NM_015294.6(TRIM37):c.965G>T (p.Gly322Val)

Gene: TRIM37 (tripartite motif containing 37; minus strand). Cytogenetic location: 17q22.
Variant type: single nucleotide variant.
Coding change: c.965G>T on transcript NM_015294.6 (MANE Select); coding-DNA position 965, G replaced by T.
Protein change: p.Gly322Val; replaces glycine 322 with valine.
Molecular consequence: missense variant. On other transcripts: non-coding transcript variant (2).
Genome position (GRCh38, 1-based): chr17:59,061,086, C>A on the plus strand (G>T on the coding strand, the complement: TRIM37 is on the minus strand). VCF-style: chr17-59061086-C-A. GRCh37 (hg19) VCF-style: chr17-57138447-C-A.
Other names: c.965G>T, p.Gly322Val (NM_001005207.5, NM_001320988.3, NM_001320989.3 and 1 more transcripts); c.863G>T, p.Gly288Val (NM_001320987.3, NM_001353082.2); c.599G>T, p.Gly200Val (NM_001320990.3); c.230G>T, p.Gly77Val (NM_001353083.2); c.503G>T, p.Gly168Val (NM_001353085.2); c.914G>T, p.Gly305Val (NM_001353086.2); short protein forms G322V, G305V, G168V, G288V, G200V, G77V.
Identifiers: ClinVar variation 56574 (VCV000056574.2), dbSNP rs386834009, ClinGen allele CA144383.
Genomic context (GRCh38, chr17:59,061,086, plus strand): 5'-TCTTACTTAGAAGTTTCAGGCAAGCCAGCTGAGAGCTCCAGAAACACAGATAAGTAGTAA[C>A]CTCGCACAACTCCATTTCCATCCTAAAAGAAGAATAATCAGTTTGAGTGTAAAAAAATTA-3'
Protein context (NP_056109.1, residues 312-332): VYPDGNGVVR[Gly322Val]YYLSVFLELS